The following is an entry in ClinVar:

ClinVar aggregate classification (germline): Benign (1 of 4 stars; one submission).

Conditions:
Familial intrahepatic cholestasis. Identifiers: Orphanet 284385, MedGen CN296401, MONDO:0017290.

Submission:

Genomenon, Inc
Classification: Benign for Familial intrahepatic cholestasis. Last evaluated: 2026-04-14. Review status: criteria provided, single submitter. Criteria: Genomenon Sequence Variant Interpretation Standards - Updated. Collection method: curation. Allele origin: germline. Affected: no.
Comment: ABCB11 c.1084-1551A>T is a deep intronic variant located in intron 10. This variant is present at high allele frequency in population databases. In conclusion, we classify ABCB11 c.1084-1551A>T as a benign variant.

NM_003742.4(ABCB11):c.1084-1551A>T

Gene: ABCB11 (ATP binding cassette subfamily B member 11; minus strand). Cytogenetic location: 2q31.1.
Variant type: single nucleotide variant.
Coding change: c.1084-1551A>T on transcript NM_003742.4 (MANE Select); 1551 bases into the intron before coding-DNA position 1084, A replaced by T.
Molecular consequence: intron variant.
Genome position (GRCh38, 1-based): chr2:168,981,530, T>A on the plus strand (A>T on the coding strand, the complement: ABCB11 is on the minus strand). VCF-style: chr2-168981530-T-A. GRCh37 (hg19) VCF-style: chr2-169838040-T-A.
Identifiers: ClinVar variation 4846684 (VCV004846684.1).